The following is an entry in ClinVar:

ClinVar aggregate classification (germline): Pathogenic (1 of 4 stars; one submission).

Conditions:
Peroxisome biogenesis disorder. Identifiers: Orphanet 79189, MedGen C1832200, MONDO:0019234. Disease mechanism: loss of function.

Submission:

Myriad Genetics, Inc.
Classification: Pathogenic for Peroxisome biogenesis disorder. Last evaluated: 2023-09-27. Review status: criteria provided, single submitter. Criteria: Myriad Autosomal Dominant, Autosomal Recessive and X-Linked Classification Criteria (2023). Collection method: clinical testing. Allele origin: unknown.
Comment: NM_000287.3(PEX6):c.1723dupC(R575Pfs*8) is expected to be pathogenic in the context of peroxisome biogenesis disorder type 4. This variant is predicted to lead to an abnormal or absent protein product due to the creation of a premature termination codon in PEX6, a gene where loss-of-function variants are known to be pathogenic. Please note: this variant was assessed in the context of healthy population screening.

NM_000287.4(PEX6):c.1723dup (p.Arg575fs)

Gene: PEX6 (peroxisomal biogenesis factor 6; minus strand). Cytogenetic location: 6p21.1.
Variant type: Duplication.
Coding change: c.1723dup on transcript NM_000287.4 (MANE Select); coding-DNA position 1723, one base duplicated (C; older notation c.1723dupC).
Protein change: p.Arg575fs; shifts the reading frame from arginine 575.
Molecular consequence: frameshift variant. On other transcripts: non-coding transcript variant (1).
Genome position (GRCh38, 1-based): chr6:42,967,529, G duplicated on the plus strand (C on the coding strand, the reverse complement: PEX6 is on the minus strand); the first of 2 consecutive G bases (chr6:42,967,529-42,967,530); duplicating either gives the same sequence. VCF-style (leftmost placement, unchanged base first): chr6-42967528-C-CG. GRCh37 (hg19) VCF-style: chr6-42935266-C-CG.
Other names: c.1459dup, p.Arg487fs (NM_001316313.2); short protein forms R487fs, R575fs.
Identifiers: ClinVar variation 5011964 (VCV005011964.1).
Genomic context (GRCh38, chr6:42,967,528, plus strand): 5'-GCAGGCACCTCGAGCTCATGAGGAAATGCTGTCTGCACATCAGCAGGCAGGTCCTGGGCC[C>CG]GGCTTGTGGTGGCCACAACCATGAGGGGAGGGCAGCTGCAGACAGAGGAGTGGGCACTGA-3'